The following is an entry in ClinVar:

ClinVar aggregate classification (germline): Pathogenic (1 of 4 stars; one submission).

Conditions:
Fabry disease. Also called: ALPHA-GALACTOSIDASE A DEFICIENCY; ANDERSON-FABRY DISEASE; CERAMIDE TRIHEXOSIDASE DEFICIENCY; GLA DEFICIENCY; HEREDITARY DYSTOPIC LIPIDOSIS; Angiokeratoma corporis diffusum. Identifiers: Orphanet 324, MedGen C0002986, MONDO:0010526, OMIM 301500, HP:0001071. Disease mechanism: Fabry disease is due to inactivating mutations in the X-linked GLA gene resulting in deficiency of the enzyme Alpha Galactosidase-A., loss of function.

Submission:

Genomenon, Inc
Classification: Pathogenic for Fabry disease. Last evaluated: 2026-09-08. Review status: criteria provided, single submitter. Criteria: Genomenon Sequence Variant Interpretation Standards - Updated. Collection method: curation. Allele origin: germline. Affected: yes.
Comment: GLA p.Gly360Cys (c.1078G>T) is a missense variant that changes the amino acid at codon 360 from Glycine to Cysteine. This variant has been observed in at least one proband with clinical features consistent with Fabry disease (PMID:20031620;28615118). The variant was found to segregate with disease in at least one affected family (PMID:28615118). At least one functional study has demonstrated a substantial alteration in protein function relative to the wild-type (PMID:31036492). It is absent or not present at a significant frequency in gnomAD. In silico models predict that this variant is possibly or probably damaging. In conclusion, we classify GLA p.Gly360Cys (c.1078G>T) as a pathogenic variant.

Literature cited by the submitters: PubMed 20031620; PubMed 28615118; PubMed 31036492.

NM_000169.3(GLA):c.1078G>T (p.Gly360Cys)

Genes: GLA (galactosidase alpha; minus strand), RPL36A-HNRNPH2 (RPL36A-HNRNPH2 readthrough; plus strand). Cytogenetic location: Xq22.1.
Variant type: single nucleotide variant.
Coding change: c.1078G>T on transcript NM_000169.3 (MANE Select); coding-DNA position 1078, G replaced by T.
Protein change: p.Gly360Cys; replaces glycine 360 with cysteine.
Molecular consequence: missense variant. On other transcripts: non-coding transcript variant (3), intron variant (2).
Genome position (GRCh38, 1-based): chrX:101,398,021, C>A on the plus strand (G>T on the coding strand, the complement: GLA is on the minus strand). VCF-style: chrX-101398021-C-A. GRCh37 (hg19) VCF-style: chrX-100653009-C-A.
Other names: c.1201G>T, p.Gly401Cys (NM_001406747.1); c.300+2564C>A (NM_001199973.2); c.177+6199C>A (NM_001199974.2); short protein forms G360C, G401C.
Identifiers: ClinVar variation 4087634 (VCV004087634.2).
Genomic context (GRCh38, chrX:101,398,021, plus strand): 5'-GATTACAGGCCACTCCTTTACCCAGGGAAGCAACTGCGATGGTATAAGAGCGAGGTCCAC[C>A]AATCTCCTGCCGGTTTATCATAGCTACAGCCCAGGCTAAGCCTGAGAGAGGTCGTTCCCA-3'
Protein context (NP_000160.1, residues 350-370): AVAMINRQEI[Gly360Cys]GPRSYTIAVA